The following is an entry in ClinVar:

ClinVar aggregate classification (germline): Uncertain significance. Review status: criteria provided, multiple submitters, no conflicts (2 of 4 stars). 4 submissions from 4 submitters: Uncertain significance (4). Last evaluated 2024-10-15.

Conditions:
Lowe syndrome (OCRL). Also called: LOWE OCULOCEREBRORENAL SYNDROME; PHOSPHATIDYLINOSITOL 4,5-BISPHOSPHATE 5-PHOSPHATASE DEFICIENCY; Oculocerebrorenal Syndrome. Identifiers: Orphanet 534, MedGen C0028860, MONDO:0010645, OMIM 309000.
Dent disease type 2. Identifiers: Orphanet 1652, Orphanet 93623, MedGen C1845167, MONDO:0010359, OMIM 300555.

Allele frequency attached by ClinVar (database versions not stated): gnomAD exomes below 0.00001 and 0.00002; ExAC 0.00001; gnomAD 0.00003; TOPMed 0.00003.
gnomAD v4.1: 21 of 1,205,201 alleles (0.0017%); highest among the groups gnomAD compares: East Asian, 0.015%; no homozygotes.

Submissions (4):

Labcorp Genetics (formerly Invitae), Labcorp
Classification: Uncertain significance for Lowe syndrome. Last evaluated: 2024-10-15. Review status: criteria provided, single submitter. Criteria: Invitae Variant Classification Sherloc (09022015). Collection method: clinical testing. Allele origin: germline.
Comment: This sequence change replaces threonine, which is neutral and polar, with alanine, which is neutral and non-polar, at codon 14 of the OCRL protein (p.Thr14Ala). The frequency data for this variant in the population databases is considered unreliable, as metrics indicate poor data quality at this position in the gnomAD database. This missense change has been observed in individual(s) with clinical features of Dent disease (PMID: 34125233). ClinVar contains an entry for this variant (Variation ID: 1336606). An algorithm developed to predict the effect of missense changes on protein structure and function (PolyPhen-2) suggests that this variant is likely to be tolerated. In summary, the available evidence is currently insufficient to determine the role of this variant in disease. Therefore, it has been classified as a Variant of Uncertain Significance.

Fulgent Genetics
Classification: Uncertain significance for Dent disease type 2; Lowe syndrome. Last evaluated: 2024-04-09. Review status: criteria provided, single submitter. Criteria: ACMG Guidelines, 2015. Collection method: clinical testing. Allele origin: germline.

Women's Health and Genetics/Laboratory Corporation of America, LabCorp
Classification: Uncertain significance. Last evaluated: 2022-07-08. Review status: criteria provided, single submitter. Criteria: LabCorp Variant Classification Summary - May 2015. Collection method: clinical testing. Allele origin: germline.
Comment: Variant summary: OCRL c.40A>G (p.Thr14Ala) results in a non-conservative amino acid change located in the OCRL1, PH domain (IPR037787) of the encoded protein sequence. Four of five in-silico tools predict a benign effect of the variant on protein function. 4/4 computational tools predict no significant impact on normal splicing, however, these predictions have yet to be confirmed by functional studies. The variant allele was found at a frequency of 2e-05 in 204391 control chromosomes, including 1 hemizygote (gnomAD). The available data on variant occurrences in the general population are insufficient to allow any conclusion about variant significance. c.40A>G has been reported in the literature in one individual with idiopathic infantile hypercalcemia (Lenherr-Taube_2021). This report does not provide unequivocal conclusions about association of the variant with Dent Disease. To our knowledge, no experimental evidence demonstrating an impact on protein function has been reported. One ClinVar submitter has assessed the variant since 2014: the variant was classified as of uncertain significance. Based on the evidence outlined above, the variant was classified as uncertain significance.

Genetic Services Laboratory, University of Chicago
Classification: Uncertain significance. Last evaluated: 2018-04-17. Review status: criteria provided, single submitter. Criteria: ACMG Guidelines, 2015. Collection method: clinical testing. Allele origin: germline. Affected: no.

Literature cited by the submitters: PubMed 34125233 (cited by Labcorp Genetics (formerly Invitae), Labcorp and Women's Health and Genetics/Laboratory Corporation of America, LabCorp); PubMed 34139759 (cited by Women's Health and Genetics/Laboratory Corporation of America, LabCorp).

NM_000276.4(OCRL):c.40A>G (p.Thr14Ala)

Gene: OCRL (OCRL inositol polyphosphate-5-phosphatase; plus strand). Cytogenetic location: Xq26.1.
Variant type: single nucleotide variant.
Coding change: c.40A>G on transcript NM_000276.4 (MANE Select); coding-DNA position 40, A replaced by G.
Protein change: p.Thr14Ala; replaces threonine 14 with alanine.
Molecular consequence: missense variant.
Genome position (GRCh38, 1-based): chrX:129,540,744, A>G. VCF-style: chrX-129540744-A-G. GRCh37 (hg19) VCF-style: chrX-128674721-A-G.
Other names: c.43A>G, p.Thr15Ala (NM_001318784.2); c.40A>G, p.Thr14Ala (NM_001587.4); short protein forms T15A, T14A.
Identifiers: ClinVar variation 1336606 (VCV001336606.10), dbSNP rs371099243, ClinGen allele CA10511917.